The following is an entry in ClinVar:

NM_000053.4(ATP7B):c.2233_2234del (p.Leu745fs)

Gene: ATP7B (ATPase copper transporting beta; minus strand). Cytogenetic location: 13q14.3.
Variant type: Microsatellite.
Coding change: c.2233_2234del on transcript NM_000053.4 (MANE Select); coding-DNA positions 2233 to 2234, 2 bases deleted (CT; older notation c.2233_2234delCT).
Protein change: p.Leu745fs; shifts the reading frame from leucine 745.
Molecular consequence: frameshift variant. On other transcripts: intron variant (2).
Genome position (GRCh38, 1-based): chr13:51,958,432-51,958,433, AG deleted on the plus strand (CT on the coding strand, the reverse complement: ATP7B is on the minus strand); deleting any 2 consecutive bases within chr13:51,958,432-51,958,436 gives the same sequence; the c. name uses the placement nearest the transcript's 3' end. VCF-style (leftmost placement, unchanged base first): chr13-51958431-CAG-C. GRCh37 (hg19) VCF-style: chr13-52532567-CAG-C.
Other names: c.2233_2234del (NM_000053.3); c.1900_1901del, p.Leu634fs (NM_001243182.2); c.1981_1982del, p.Leu661fs (NM_001330579.2); c.1870-826_1870-825del (NM_001005918.3); c.2122-826_2122-825del (NM_001330578.2); short protein forms L634fs, L661fs, L745fs.
Identifiers: ClinVar variation 557553 (VCV000557553.12), dbSNP rs1555291195, ClinGen allele CA658823710.

ClinVar aggregate classification (germline): Pathogenic/Likely pathogenic. Review status: criteria provided, multiple submitters, no conflicts (2 of 4 stars). 4 submissions from 4 submitters: Pathogenic (2); Likely pathogenic (1). 1 of the submissions does not count toward it. Last evaluated 2023-11-23.

Conditions:
Wilson disease (WND). Also called: Wilson's disease. Identifiers: Orphanet 905, MedGen C0019202, MONDO:0010200, OMIM 277900. Disease mechanism: loss of function.

Submissions (4):

Baylor Genetics
Classification: Likely pathogenic for Wilson disease. Last evaluated: 2023-11-23. Review status: criteria provided, single submitter. Criteria: ACMG Guidelines, 2015. Collection method: clinical testing. Allele origin: unknown.

Genome-Nilou Lab
Classification: Pathogenic for Wilson disease. Last evaluated: 2021-08-10. Review status: criteria provided, single submitter. Criteria: ACMG Guidelines, 2015. Collection method: clinical testing. Allele origin: germline. Affected: no.

Labcorp Genetics (formerly Invitae), Labcorp
Classification: Pathogenic for Wilson disease. Last evaluated: 2019-09-27. Review status: criteria provided, single submitter. Criteria: Invitae Variant Classification Sherloc (09022015). Collection method: clinical testing. Allele origin: germline.
Comment: For these reasons, this variant has been classified as Pathogenic. Loss-of-function variants in ATP7B are known to be pathogenic (PMID: 10441329, 16283883). This variant has not been reported in the literature in individuals with ATP7B-related conditions. ClinVar contains an entry for this variant (Variation ID: 557553). This variant is not present in population databases (ExAC no frequency). This sequence change creates a premature translational stop signal (p.Leu745Glyfs*9) in the ATP7B gene. It is expected to result in an absent or disrupted protein product.

Counsyl
Classification: Likely pathogenic for Wilson disease. Last evaluated: 2018-03-29. Review status: no assertion criteria provided. Collection method: clinical testing. Allele origin: unknown. Not counted in ClinVar's aggregate classification.

Literature cited by the submitters: PubMed 10441329 (cited by Labcorp Genetics (formerly Invitae), Labcorp); PubMed 16283883 (cited by Labcorp Genetics (formerly Invitae), Labcorp).